The following is an entry in ClinVar:

ClinVar aggregate classification (germline): Uncertain significance (1 of 4 stars; one submission).

Conditions:
Glycogen storage disease type III (GSD3). Also called: Cori disease; FORBES DISEASE. Identifiers: Orphanet 366, MedGen C0017922, MONDO:0009291, OMIM 232400.

Allele frequency attached by ClinVar (database versions not stated): gnomAD exomes 0.00001; gnomAD 0.00002; TOPMed 0.00002.
gnomAD v4.1: 40 of 1,613,564 alleles (0.0025%); highest among the groups gnomAD compares: Non-Finnish European, 0.0032%; no homozygotes.

Submission:

Labcorp Genetics (formerly Invitae), Labcorp
Classification: Uncertain significance for Glycogen storage disease type III. Last evaluated: 2022-02-20. Review status: criteria provided, single submitter. Criteria: Invitae Variant Classification Sherloc (09022015). Collection method: clinical testing. Allele origin: germline.
Comment: This sequence change replaces proline, which is neutral and non-polar, with arginine, which is basic and polar, at codon 1307 of the AGL protein (p.Pro1307Arg). This variant is present in population databases (no rsID available, gnomAD 0.003%). This variant has not been reported in the literature in individuals affected with AGL-related conditions. ClinVar contains an entry for this variant (Variation ID: 860399). Algorithms developed to predict the effect of missense changes on protein structure and function are either unavailable or do not agree on the potential impact of this missense change (SIFT: "Tolerated"; PolyPhen-2: "Probably Damaging"; Align-GVGD: "Class C0"). In summary, the available evidence is currently insufficient to determine the role of this variant in disease. Therefore, it has been classified as a Variant of Uncertain Significance.

NM_000642.3(AGL):c.3920C>G (p.Pro1307Arg)

Gene: AGL (amylo-alpha-1,6-glucosidase and 4-alpha-glucanotransferase; plus strand). Cytogenetic location: 1p21.2.
Variant type: single nucleotide variant.
Coding change: c.3920C>G on transcript NM_000642.3 (MANE Select); coding-DNA position 3920, C replaced by G.
Protein change: p.Pro1307Arg; replaces proline 1307 with arginine.
Molecular consequence: missense variant.
Genome position (GRCh38, 1-based): chr1:99,912,488, C>G. VCF-style: chr1-99912488-C-G. GRCh37 (hg19) VCF-style: chr1-100378044-C-G.
Other names: c.3920C>G, p.Pro1307Arg (NM_000028.3, NM_000643.3, NM_000644.3 and 1 more transcripts); c.3872C>G, p.Pro1291Arg (NM_000646.3); c.3899C>G, p.Pro1300Arg (NM_001425326.1); c.3719C>G, p.Pro1240Arg (NM_001425327.1); c.3716C>G, p.Pro1239Arg (NM_001425328.1); c.3581C>G, p.Pro1194Arg (NM_001425329.1); c.3542C>G, p.Pro1181Arg (NM_001425332.1); short protein forms P1307R, P1291R, P1181R, P1194R, P1239R, P1240R, P1300R.
Identifiers: ClinVar variation 860399 (VCV000860399.6), dbSNP rs988176424, ClinGen allele CA27555401.